The following is an entry in ClinVar:

NM_001130438.3(SPTAN1):c.2563C>T (p.His855Tyr)

Gene: SPTAN1 (spectrin alpha, non-erythrocytic 1; plus strand). Cytogenetic location: 9q34.11.
Variant type: single nucleotide variant.
Coding change: c.2563C>T on transcript NM_001130438.3 (MANE Select); coding-DNA position 2563, C replaced by T.
Protein change: p.His855Tyr; replaces histidine 855 with tyrosine.
Molecular consequence: missense variant.
Genome position (GRCh38, 1-based): chr9:128,585,750, C>T. VCF-style: chr9-128585750-C-T. GRCh37 (hg19) VCF-style: chr9-131348029-C-T.
Other names: c.2563C>T, p.His855Tyr (NM_001195532.2, NM_001363759.2, NM_001363765.2 and 5 more transcripts); c.2599C>T, p.His867Tyr (NM_001375312.2, NM_001375318.1); short protein forms H855Y, H867Y.
Identifiers: ClinVar variation 2066438 (VCV002066438.4), dbSNP rs2541237642, ClinGen allele CA375058041.

ClinVar aggregate classification (germline): Uncertain significance (1 of 4 stars; one submission).

Conditions:
Early-infantile DEE. Also called: Early infantile epileptic encephalopathy; Ohtahara syndrome; Early infantile epileptic encephalopathy with suppression bursts. Identifiers: Orphanet 1934, MedGen C0393706, MONDO:0800491.

Submission:

Labcorp Genetics (formerly Invitae), Labcorp
Classification: Uncertain significance for Early-infantile DEE. Last evaluated: 2022-03-11. Review status: criteria provided, single submitter. Criteria: Invitae Variant Classification Sherloc (09022015). Collection method: clinical testing. Allele origin: germline.
Comment: In summary, the available evidence is currently insufficient to determine the role of this variant in disease. Therefore, it has been classified as a Variant of Uncertain Significance. Algorithms developed to predict the effect of missense changes on protein structure and function are either unavailable or do not agree on the potential impact of this missense change (SIFT: "Tolerated"; PolyPhen-2: "Probably Damaging"; Align-GVGD: "Class C0"). This variant has not been reported in the literature in individuals affected with SPTAN1-related conditions. This variant is not present in population databases (gnomAD no frequency). This sequence change replaces histidine, which is basic and polar, with tyrosine, which is neutral and polar, at codon 855 of the SPTAN1 protein (p.His855Tyr).